The following is an entry in ClinVar:

NM_005559.4(LAMA1):c.7830C>A (p.Gly2610=)

Gene: LAMA1 (laminin subunit alpha 1; minus strand). Cytogenetic location: 18p11.31.
Variant type: single nucleotide variant.
Coding change: c.7830C>A on transcript NM_005559.4 (MANE Select); coding-DNA position 7830, C replaced by A.
Protein change: p.Gly2610=; no amino-acid change (glycine 2610 retained).
Molecular consequence: synonymous variant.
Genome position (GRCh38, 1-based): chr18:6,958,611, G>T on the plus strand (C>A on the coding strand, the complement: LAMA1 is on the minus strand). VCF-style: chr18-6958611-G-T. GRCh37 (hg19) VCF-style: chr18-6958610-G-T.
Other names: c.7830C>A (NM_005559.3).
Identifiers: ClinVar variation 1622103 (VCV001622103.11), dbSNP rs374593621, ClinGen allele CA8880769.

ClinVar aggregate classification (germline): Likely benign. Review status: criteria provided, multiple submitters, no conflicts (2 of 4 stars). 3 submissions from 3 submitters: Likely benign (2). 1 of the submissions does not count toward it. Last evaluated 2023-08-03.

Conditions:
LAMA1-related disorder. Also called: LAMA1-related condition; LAMA1-related disorders.

Allele frequency attached by ClinVar (database versions not stated): ExAC 0.00002; gnomAD exomes 0.00002 and 0.00010; TOPMed 0.00003; gnomAD 0.00004; ESP Exome Variant Server 0.00008.
gnomAD v4.1: 142 of 1,613,964 alleles (0.0088%); highest among the groups gnomAD compares: Middle Eastern, 0.016%; no homozygotes.

Submissions (3):

Blueprint Genetics
Classification: Likely benign. Last evaluated: 2023-08-03. Review status: criteria provided, single submitter. Criteria: ACMG Guidelines, 2015. Collection method: clinical testing. Allele origin: germline.

Labcorp Genetics (formerly Invitae), Labcorp
Classification: Likely benign. Last evaluated: 2022-06-28. Review status: criteria provided, single submitter. Criteria: Invitae Variant Classification Sherloc (09022015). Collection method: clinical testing. Allele origin: germline.

PreventionGenetics, part of Exact Sciences
Classification: Likely benign for LAMA1-related condition. Last evaluated: 2020-08-25. Review status: no assertion criteria provided. Collection method: clinical testing. Allele origin: germline. Not counted in ClinVar's aggregate classification.
Comment: This variant is classified as likely benign based on ACMG/AMP sequence variant interpretation guidelines (Richards et al. 2015 PMID: 25741868, with internal and published modifications).